The following is an entry in ClinVar:

NM_032737.4(LMNB2):c.614G>A (p.Arg205His)

Gene: LMNB2 (lamin B2; minus strand). Cytogenetic location: 19p13.3.
Variant type: single nucleotide variant.
Coding change: c.614G>A on transcript NM_032737.4 (MANE Select); coding-DNA position 614, G replaced by A.
Protein change: p.Arg205His; replaces arginine 205 with histidine.
Molecular consequence: missense variant.
Genome position (GRCh38, 1-based): chr19:2,438,233, C>T on the plus strand (G>A on the coding strand, the complement: LMNB2 is on the minus strand). VCF-style: chr19-2438233-C-T. GRCh37 (hg19) VCF-style: chr19-2438231-C-T.
Other names: c.554G>A (NM_032737.2); short protein forms R205H.
Identifiers: ClinVar variation 1036784 (VCV001036784.6), dbSNP rs767067963, ClinGen allele CA9067831.

ClinVar aggregate classification (germline): Uncertain significance. Review status: criteria provided, multiple submitters, no conflicts (2 of 4 stars). 3 submissions from 3 submitters: Uncertain significance (3). Last evaluated 2025-05-20.

Conditions:
Lipodystrophy, partial, acquired, susceptibility to (APLD). Also called: APLD, SUSCEPTIBILITY TO. Identifiers: MedGen C3887501, MONDO:0100476, OMIM 608709.
Progressive myoclonic epilepsy type 9. Identifiers: Orphanet 457265, MedGen C4225289, MONDO:0014685, OMIM 616540.

Allele frequency attached by ClinVar (database versions not stated): gnomAD 0.00001; gnomAD exomes 0.00002 and 0.00003; ExAC 0.00002; TOPMed 0.00002.

Submissions (3):

Women's Health and Genetics/Laboratory Corporation of America, LabCorp
Classification: Uncertain significance. Last evaluated: 2025-05-20. Review status: criteria provided, single submitter. Criteria: LabCorp Variant Classification Summary - May 2015. Collection method: clinical testing. Allele origin: germline.
Comment: Variant summary: LMNB2 c.614G>A (p.Arg205His) results in a non-conservative amino acid change in the encoded protein sequence. Algorithms developed to predict the effect of missense changes on protein structure and function all suggest that this variant is likely to be disruptive. The variant allele was found at a frequency of 3.2e-05 in 250982 control chromosomes. The available data on variant occurrences in the general population are insufficient to allow any conclusion about variant significance. To our knowledge, no occurrence of c.614G>A in individuals affected with LMNB2-Related Disorders and no experimental evidence demonstrating its impact on protein function have been reported. ClinVar contains an entry for this variant (Variation ID: 1036784). Based on the evidence outlined above, the variant was classified as uncertain significance.

Ambry Genetics
Classification: Uncertain significance. Last evaluated: 2025-04-03. Review status: criteria provided, single submitter. Criteria: Ambry Variant Classification Scheme 2023. Collection method: clinical testing. Allele origin: germline.

Labcorp Genetics (formerly Invitae), Labcorp
Classification: Uncertain significance for Progressive myoclonic epilepsy type 9; Lipodystrophy, partial, acquired, susceptibility to. Last evaluated: 2023-04-14. Review status: criteria provided, single submitter. Criteria: Invitae Variant Classification Sherloc (09022015). Collection method: clinical testing. Allele origin: germline.
Comment: This sequence change replaces arginine, which is basic and polar, with histidine, which is basic and polar, at codon 205 of the LMNB2 protein (p.Arg205His). In summary, the available evidence is currently insufficient to determine the role of this variant in disease. Therefore, it has been classified as a Variant of Uncertain Significance. Advanced modeling of protein sequence and biophysical properties (such as structural, functional, and spatial information, amino acid conservation, physicochemical variation, residue mobility, and thermodynamic stability) performed at Invitae indicates that this missense variant is expected to disrupt LMNB2 protein function. ClinVar contains an entry for this variant (Variation ID: 1036784). This variant has not been reported in the literature in individuals affected with LMNB2-related conditions. This variant is present in population databases (rs767067963, gnomAD 0.02%).